The following is an entry in ClinVar:

ClinVar aggregate classification (germline): Uncertain significance. Review status: criteria provided, single submitter (1 of 4 stars). 2 submissions from 2 submitters: Uncertain significance (1). 1 of the submissions does not count toward it. Last evaluated 2025-01-08.

Conditions:
ADGRG4-related disorder. Also called: ADGRG4-related condition.

Allele frequency attached by ClinVar (database versions not stated): ExAC 0.00032; gnomAD 0.00046; TOPMed 0.00050; ESP Exome Variant Server 0.00085; gnomAD exomes 0.00087.
gnomAD v4.1: 1,014 of 1,206,917 alleles (0.084%); highest among the groups gnomAD compares: Non-Finnish European, 0.11%; 1 homozygote.

Submissions (2):

Ambry Genetics
Classification: Uncertain significance. Last evaluated: 2025-01-08. Review status: criteria provided, single submitter. Criteria: Ambry Variant Classification Scheme 2023. Collection method: clinical testing. Allele origin: germline.

PreventionGenetics, part of Exact Sciences
Classification: Likely benign for ADGRG4-related condition. Last evaluated: 2022-05-09. Review status: no assertion criteria provided. Collection method: clinical testing. Allele origin: germline. Not counted in ClinVar's aggregate classification.
Comment: This variant is classified as likely benign based on ACMG/AMP sequence variant interpretation guidelines (Richards et al. 2015 PMID: 25741868, with internal and published modifications).

NM_153834.4(ADGRG4):c.1741C>T (p.Arg581Cys)

Gene: ADGRG4 (adhesion G protein-coupled receptor G4; plus strand). Cytogenetic location: Xq26.3.
Variant type: single nucleotide variant.
Coding change: c.1741C>T on transcript NM_153834.4 (MANE Select); coding-DNA position 1741, C replaced by T.
Protein change: p.Arg581Cys; replaces arginine 581 with cysteine.
Molecular consequence: missense variant.
Genome position (GRCh38, 1-based): chrX:136,345,447, C>T. VCF-style: chrX-136345447-C-T. GRCh37 (hg19) VCF-style: chrX-135427606-C-T.
Other names: short protein forms R581C.
Identifiers: ClinVar variation 2257779 (VCV002257779.5), dbSNP rs151008495, ClinGen allele CA10526112.